The following is an entry in ClinVar:

ClinVar aggregate classification (germline): Uncertain significance (1 of 4 stars; one submission).

Submission:

GeneDx
Classification: Uncertain significance. Last evaluated: 2024-01-07. Review status: criteria provided, single submitter. Criteria: GeneDx Variant Classification Process June 2021. Collection method: clinical testing. Allele origin: germline. Affected: yes.
Comment: Not observed at significant frequency in large population cohorts (gnomAD); In silico analysis supports that this missense variant has a deleterious effect on protein structure/function; Has not been previously published as pathogenic or benign to our knowledge

NM_001481.3(GAS8):c.150C>A (p.Asn50Lys)

Gene: GAS8 (growth arrest specific 8; plus strand). Cytogenetic location: 16q24.3.
Variant type: single nucleotide variant.
Coding change: c.150C>A on transcript NM_001481.3 (MANE Select); coding-DNA position 150, C replaced by A.
Protein change: p.Asn50Lys; replaces asparagine 50 with lysine.
Molecular consequence: missense variant. On other transcripts: 5 prime UTR variant (2).
Genome position (GRCh38, 1-based): chr16:90,031,358, C>A. VCF-style: chr16-90031358-C-A. GRCh37 (hg19) VCF-style: chr16-90097766-C-A.
Other names: c.-100C>A (NM_001286205.2); c.-372C>A (NM_001286208.2); c.75C>A, p.Asn25Lys (NM_001286209.2); short protein forms N25K, N50K.
Identifiers: ClinVar variation 3367570 (VCV003367570.1).
Genomic context (GRCh38, chr16:90,031,358, plus strand): 5'-GGTGGAGGAGCATGTCAGCCGCATCCGGGAGGAGCTGGACCGCGAGCGGGAGGAACGAAA[C>A]TACTTCCAGCTGGAGCGGGACAAGATCCACACCTTCTGGGAGATCACACGGAGGCAGCTG-3'
Protein context (NP_001472.1, residues 40-60): EELDREREER[Asn50Lys]YFQLERDKIH